The following is an entry in ClinVar:

ClinVar aggregate classification (germline): Uncertain significance (1 of 4 stars; one submission).

Submission:

Women's Health and Genetics/Laboratory Corporation of America, LabCorp
Classification: Uncertain significance. Last evaluated: 2019-09-12. Review status: criteria provided, single submitter. Criteria: LabCorp Variant Classification Summary - May 2015. Collection method: clinical testing. Allele origin: germline.
Comment: Variant summary: NBN c.1216T>G (p.Ser406Ala) results in a conservative amino acid change in the encoded protein sequence. Five of five in-silico tools predict a benign effect of the variant on protein function. The variant was absent in 251186 control chromosomes. The available data on variant occurrences in the general population are insufficient to allow any conclusion about variant significance. To our knowledge, no occurrence of c.1216T>G in individuals affected with Nijmegen Breakage Syndrome and no experimental evidence demonstrating its impact on protein function have been reported. No clinical diagnostic laboratories have submitted clinical-significance assessments for this variant to ClinVar after 2014. Based on the evidence outlined above, the variant was classified as uncertain significance.

NM_002485.5(NBN):c.1216T>G (p.Ser406Ala)

Gene: NBN (nibrin; minus strand). Cytogenetic location: 8q21.3.
Variant type: single nucleotide variant.
Coding change: c.1216T>G on transcript NM_002485.5 (MANE Select); coding-DNA position 1216, T replaced by G.
Protein change: p.Ser406Ala; replaces serine 406 with alanine.
Molecular consequence: missense variant.
Genome position (GRCh38, 1-based): chr8:89,955,464, A>C on the plus strand (T>G on the coding strand, the complement: NBN is on the minus strand). VCF-style: chr8-89955464-A-C. GRCh37 (hg19) VCF-style: chr8-90967692-A-C.
Other names: c.970T>G, p.Ser324Ala (NM_001024688.3); short protein forms S324A, S406A.
Identifiers: ClinVar variation 929203 (VCV000929203.1), dbSNP rs1810666368, ClinGen allele CA371656340.